The following is an entry in ClinVar:

NM_017617.5(NOTCH1):c.2740+188G>A

Gene: NOTCH1 (notch receptor 1; minus strand). Cytogenetic location: 9q34.3.
Variant type: single nucleotide variant.
Coding change: c.2740+188G>A on transcript NM_017617.5 (MANE Select); 188 bases into the intron after coding-DNA position 2740, G replaced by A.
Molecular consequence: intron variant.
Genome position (GRCh38, 1-based): chr9:136,510,465, C>T on the plus strand (G>A on the coding strand, the complement: NOTCH1 is on the minus strand). VCF-style: chr9-136510465-C-T. GRCh37 (hg19) VCF-style: chr9-139404917-C-T.
Identifiers: ClinVar variation 679864 (VCV000679864.2), dbSNP rs149216059, ClinGen allele CA201583284.
Genomic context (GRCh38, chr9:136,510,465, plus strand): 5'-AGTGAAGAGCCGTGGGAGGGGCTCTCGTGACTCTTCCGCGAAGTGCAGGGAGGAGCAAGC[C>T]GGCTCTGGGGCCCTCCTGAACCACCCTGGCCATCCCTCAGCACATCCCCCACACCTGACC-3'

ClinVar aggregate classification (germline): Likely benign. Review status: criteria provided, multiple submitters, no conflicts (2 of 4 stars). 2 submissions from 2 submitters: Likely benign (2). Last evaluated 2018-06-19.

Allele frequency attached by ClinVar (database versions not stated): 1000 Genomes Project 30x 0.00937; 1000 Genomes Project 0.00978; gnomAD 0.01414; TOPMed 0.01754.
gnomAD v4.1: 12,240 of 706,972 alleles (1.7%); highest among the groups gnomAD compares: Middle Eastern, 5.4%; 168 homozygotes.

Submissions (2):

GeneDx
Classification: Likely benign. Last evaluated: 2018-06-19. Review status: criteria provided, single submitter. Criteria: GeneDx Variant Classification (06012015). Collection method: clinical testing. Allele origin: germline. Affected: yes.
Comment: This variant is considered likely benign or benign based on one or more of the following criteria: it is a conservative change, it occurs at a poorly conserved position in the protein, it is predicted to be benign by multiple in silico algorithms, and/or has population frequency not consistent with disease.

Breakthrough Genomics
Classification: Likely benign. Review status: criteria provided, single submitter. Criteria: ACMG Guidelines, 2015. Collection method: not provided. Allele origin: germline. Inheritance: Autosomal dominant inheritance. Affected: yes.